The following is an entry in ClinVar:

NM_015158.5(KANK1):c.783G>C (p.Gln261His)

Gene: KANK1 (KN motif and ankyrin repeat domains 1; plus strand). Cytogenetic location: 9p24.3.
Variant type: single nucleotide variant.
Coding change: c.783G>C on transcript NM_015158.5 (MANE Select); coding-DNA position 783, G replaced by C.
Protein change: p.Gln261His; replaces glutamine 261 with histidine.
Molecular consequence: missense variant. On other transcripts: non-coding transcript variant (1).
Genome position (GRCh38, 1-based): chr9:711,549, G>C. VCF-style: chr9-711549-G-C. GRCh37 (hg19) VCF-style: chr9-711549-G-C.
Other names: c.309G>C, p.Gln103His (NM_001354342.2, NM_001354343.2, NM_001354344.2 and 9 more transcripts); c.783G>C, p.Gln261His (NM_001256876.3, NM_001256877.3, NM_001354331.2 and 2 more transcripts); short protein forms Q103H, Q261H.
Identifiers: ClinVar variation 3688947 (VCV003688947.2).

ClinVar aggregate classification (germline): Uncertain significance (1 of 4 stars; one submission).

gnomAD v4.1: 3 of 1,613,770 alleles (0.00019%); highest among the groups gnomAD compares: African/African-American, 0.0027%; no homozygotes.

Submission:

Labcorp Genetics (formerly Invitae), Labcorp
Classification: Uncertain significance. Last evaluated: 2025-06-12. Review status: criteria provided, single submitter. Criteria: Invitae Variant Classification Sherloc (09022015). Collection method: clinical testing. Allele origin: germline.
Comment: This sequence change replaces glutamine, which is neutral and polar, with histidine, which is basic and polar, at codon 261 of the KANK1 protein (p.Gln261His). This variant is not present in population databases (gnomAD no frequency). This variant has not been reported in the literature in individuals affected with KANK1-related conditions. ClinVar contains an entry for this variant (Variation ID: 3688947). Invitae Evidence Modeling of protein sequence and biophysical properties (such as structural, functional, and spatial information, amino acid conservation, physicochemical variation, residue mobility, and thermodynamic stability) indicates that this missense variant is not expected to disrupt KANK1 protein function with a negative predictive value of 80%. In summary, the available evidence is currently insufficient to determine the role of this variant in disease. Therefore, it has been classified as a Variant of Uncertain Significance.